The following is an entry in ClinVar:

ClinVar aggregate classification (germline): Uncertain significance. Review status: criteria provided, multiple submitters, no conflicts (2 of 4 stars). 4 submissions from 4 submitters: Uncertain significance (4). Last evaluated 2023-03-28.

Conditions:
Primary ciliary dyskinesia. Also called: Ciliary dyskinesia. Identifiers: Orphanet 244, MedGen C0008780, MONDO:0016575, HP:0012265.
Primary ciliary dyskinesia 14. Also called: CILIARY DYSKINESIA, PRIMARY, 14, WITH OR WITHOUT SITUS INVERSUS. Identifiers: Orphanet 244, MedGen C3151136, MONDO:0013434, OMIM 613807.

Submissions (4):

Department of Pathology and Laboratory Medicine, Sinai Health System
Classification: Uncertain significance for Primary ciliary dyskinesia 14. Last evaluated: 2023-03-28. Review status: criteria provided, single submitter. Criteria: ACMG Guidelines, 2015. Collection method: research. Allele origin: germline.

Blueprint Genetics
Classification: Uncertain significance. Last evaluated: 2022-08-26. Review status: criteria provided, single submitter. Criteria: ACMG Guidelines, 2015. Collection method: clinical testing. Allele origin: germline.

Labcorp Genetics (formerly Invitae), Labcorp
Classification: Uncertain significance for Primary ciliary dyskinesia. Last evaluated: 2022-02-11. Review status: criteria provided, single submitter. Criteria: Invitae Variant Classification Sherloc (09022015). Collection method: clinical testing. Allele origin: germline.
Comment: This variant, c.2800_2802dup, results in the insertion of 1 amino acid(s) of the CCDC39 protein (p.Val934dup), but otherwise preserves the integrity of the reading frame. This variant is present in population databases (rs556950924, gnomAD 0.2%). This variant has not been reported in the literature in individuals affected with CCDC39-related conditions. ClinVar contains an entry for this variant (Variation ID: 646035). Experimental studies and prediction algorithms are not available or were not evaluated, and the functional significance of this variant is currently unknown. In summary, the available evidence is currently insufficient to determine the role of this variant in disease. Therefore, it has been classified as a Variant of Uncertain Significance.

Juno Genomics, Hangzhou Juno Genomics, Inc
Classification: Uncertain significance for Primary ciliary dyskinesia 14. Review status: criteria provided, single submitter. Criteria: ACMG Guidelines, 2015. Collection method: clinical testing. Allele origin: germline.
Comment: Protein length changes due to in-frame deletions/insertions in a non-repeat region or stop-loss variants.;For recessive disorders, detected in trans with a pathogenic variant.;Patient's phenotype or family history is highly specific for a disease with a single genetic etiology.

NM_181426.2(CCDC39):c.2800_2802dup (p.Val934_Lys935insVal)

Genes: TTC14 (tetratricopeptide repeat domain 14; plus strand), CCDC39 (coiled-coil domain 39 molecular ruler complex subunit; minus strand). Cytogenetic location: 3q26.33.
Variant type: Duplication.
Coding change: c.2800_2802dup on transcript NM_181426.2 (MANE Select); coding-DNA positions 2800 to 2802, 3 bases duplicated (GTT; older notation c.2800_2802dupGTT).
Protein change: p.Val934_Lys935insVal.
Molecular consequence: inframe insertion. On other transcripts: intron variant (1).
Genome position (GRCh38, 1-based): chr3:180,614,945-180,614,947, AAC duplicated on the plus strand (GTT on the coding strand, the reverse complement: CCDC39 is on the minus strand); duplicating any 3 consecutive bases within chr3:180,614,945-180,614,948 gives the same sequence; the c. name uses the placement nearest the transcript's 3' end. VCF-style (leftmost placement, unchanged base first): chr3-180614944-T-TAAC. GRCh37 (hg19) VCF-style: chr3-180332732-T-TAAC.
Other names: c.1775-2434_1775-2432dup (NM_001288582.2).
Identifiers: ClinVar variation 646035 (VCV000646035.14), dbSNP rs556950924, ClinGen allele CA2715589.